The following is an entry in ClinVar:

ClinVar aggregate classification (germline): Conflicting classifications of pathogenicity. Review status: criteria provided, conflicting classifications (1 of 4 stars). 3 submissions from 3 submitters: Uncertain significance (2); Likely benign (1). Last evaluated 2026-03-12.

Conditions:
IKBKB-related disorder. Also called: IKBKB-related condition.
Severe combined immunodeficiency due to IKK2 deficiency. Also called: IMMUNODEFICIENCY 15B; Immunodeficiency 15. Identifiers: Orphanet 397787, MedGen C4747743, MONDO:0014267, OMIM 615592.

Allele frequency attached by ClinVar (database versions not stated): gnomAD exomes 0.00004 and 0.00013; ExAC 0.00018; ESP Exome Variant Server 0.00031; gnomAD 0.00046 and 0.00054; TOPMed 0.00072; 1000 Genomes Project 0.00100; 1000 Genomes Project 30x 0.00109.
gnomAD v4.1: 135 of 1,614,100 alleles (0.0084%); highest among the groups gnomAD compares: African/African-American, 0.16%; no homozygotes.

Submissions (3):

PreventionGenetics, part of Exact Sciences
Classification: Uncertain significance for IKBKB-related condition. Last evaluated: 2026-03-12. Review status: criteria provided, single submitter. Criteria: ACMG Guidelines, 2015. Collection method: clinical testing. Allele origin: germline.
Comment: The IKBKB c.887C>T variant is predicted to result in the amino acid substitution p.Pro296Leu. To our knowledge, this variant has not been reported in the literature. This variant is reported in 0.17% of alleles in individuals of African descent in gnomAD, which may be too common to be causative. Although we suspect that this variant may be benign, at this time, the clinical significance of this variant is uncertain due to the absence of conclusive functional and genetic evidence.

Labcorp Genetics (formerly Invitae), Labcorp
Classification: Likely benign for Severe combined immunodeficiency due to IKK2 deficiency. Last evaluated: 2026-01-14. Review status: criteria provided, single submitter. Criteria: Invitae Variant Classification Sherloc (09022015). Collection method: clinical testing. Allele origin: germline.

Baylor Genetics
Classification: Uncertain significance for Severe combined immunodeficiency due to IKK2 deficiency. Last evaluated: 2018-11-06. Review status: criteria provided, single submitter. Criteria: ACMG Guidelines, 2015. Collection method: clinical testing. Allele origin: maternal. Affected: yes.
Comment: This variant was determined to be of uncertain significance according to ACMG Guidelines, 2015 [PMID:25741868].

NM_001556.3(IKBKB):c.887C>T (p.Pro296Leu)

Gene: IKBKB (inhibitor of nuclear factor kappa B kinase subunit beta; plus strand). Cytogenetic location: 8p11.21.
Variant type: single nucleotide variant.
Coding change: c.887C>T on transcript NM_001556.3 (MANE Select); coding-DNA position 887, C replaced by T.
Protein change: p.Pro296Leu; replaces proline 296 with leucine.
Molecular consequence: missense variant. On other transcripts: non-coding transcript variant (3).
Genome position (GRCh38, 1-based): chr8:42,316,296, C>T. VCF-style: chr8-42316296-C-T. GRCh37 (hg19) VCF-style: chr8-42173814-C-T.
Other names: c.695C>T, p.Pro232Leu (NM_001190720.3); c.710C>T, p.Pro237Leu (NM_001242778.2); short protein forms P232L, P237L, P296L.
Identifiers: ClinVar variation 1032752 (VCV001032752.10), dbSNP rs186203343, ClinGen allele CA4731832.